The following is an entry in ClinVar:

ClinVar aggregate classification (germline): Pathogenic (1 of 4 stars; one submission).

Submission:

CeGaT Center for Human Genetics Tuebingen
Classification: Pathogenic. Last evaluated: 2024-07-01. Review status: criteria provided, single submitter. Criteria: CeGaT Center For Human Genetics Tuebingen Variant Classification Criteria Version 2. Collection method: clinical testing. Allele origin: germline. Affected: yes. Observed: 3 variant alleles.
Comment: MYO6: PVS1, PM2

NM_004999.4(MYO6):c.856G>T (p.Glu286Ter)

Gene: MYO6 (myosin VI; plus strand). Cytogenetic location: 6q14.1.
Variant type: single nucleotide variant.
Coding change: c.856G>T on transcript NM_004999.4 (MANE Select); coding-DNA position 856, G replaced by T.
Protein change: p.Glu286Ter; replaces glutamic acid 286 with a stop codon.
Molecular consequence: nonsense. On other transcripts: non-coding transcript variant (1).
Genome position (GRCh38, 1-based): chr6:75,844,936, G>T. VCF-style: chr6-75844936-G-T. GRCh37 (hg19) VCF-style: chr6-76554653-G-T.
Other names: c.856G>T, p.Glu286Ter (NM_001300899.2, NM_001368136.1, NM_001368137.1 and 2 more transcripts); c.841G>T, p.Glu281Ter (NM_001368138.1); short protein forms E281*, E286*.
Identifiers: ClinVar variation 3257374 (VCV003257374.17).